The following is an entry in ClinVar:

NM_031407.7(HUWE1):c.11071G>A (p.Val3691Ile)

Gene: HUWE1 (HECT, UBA and WWE domain containing E3 ubiquitin protein ligase 1; minus strand). Cytogenetic location: Xp11.22.
Variant type: single nucleotide variant.
Coding change: c.11071G>A on transcript NM_031407.7 (MANE Select); coding-DNA position 11071, G replaced by A.
Protein change: p.Val3691Ile; replaces valine 3691 with isoleucine.
Molecular consequence: missense variant.
Genome position (GRCh38, 1-based): chrX:53,544,740, C>T on the plus strand (G>A on the coding strand, the complement: HUWE1 is on the minus strand). VCF-style: chrX-53544740-C-T. GRCh37 (hg19) VCF-style: chrX-53571701-C-T.
Other names: short protein forms V3691I.
Identifiers: ClinVar variation 2895353 (VCV002895353.3), dbSNP rs1556921231, ClinGen allele CA413167066.
Genomic context (GRCh38, chrX:53,544,740, plus strand): 5'-ACATAGAAGGCAGCTGGAGCTCCCGGCCACCCAAAGGTCGCTTCTGAGATGCCACAATTA[C>T]CACATTCTCAGCCATGTCAAACCTGGATAGTGTAGAGGTGGCTTGCGTATATTGACAGCA-3'
Protein context (NP_113584.3, residues 3681-3701): QSRFDMAENV[Val3691Ile]IVASQKRPLG

ClinVar aggregate classification (germline): Uncertain significance (1 of 4 stars; one submission).

Allele frequency attached by ClinVar (database versions not stated): gnomAD exomes 0.00001; TOPMed 0.00003.
gnomAD v4.1: 6 of 1,206,419 alleles (0.0005%); highest among the groups gnomAD compares: Admixed American, 0.011%; no homozygotes.

Submission:

Labcorp Genetics (formerly Invitae), Labcorp
Classification: Uncertain significance. Last evaluated: 2023-12-21. Review status: criteria provided, single submitter. Criteria: Invitae Variant Classification Sherloc (09022015). Collection method: clinical testing. Allele origin: germline.
Comment: This sequence change replaces valine, which is neutral and non-polar, with isoleucine, which is neutral and non-polar, at codon 3691 of the HUWE1 protein (p.Val3691Ile). This variant is present in population databases (no rsID available, gnomAD 0.01%), including at least one homozygous and/or hemizygous individual. This variant has not been reported in the literature in individuals affected with HUWE1-related conditions. Advanced modeling of protein sequence and biophysical properties (such as structural, functional, and spatial information, amino acid conservation, physicochemical variation, residue mobility, and thermodynamic stability) has been performed at Invitae for this missense variant, however the output from this modeling did not meet the statistical confidence thresholds required to predict the impact of this variant on HUWE1 protein function. In summary, the available evidence is currently insufficient to determine the role of this variant in disease. Therefore, it has been classified as a Variant of Uncertain Significance.